The following is an entry in ClinVar:

NM_000117.3(EMD):c.460A>G (p.Met154Val)

Gene: EMD (emerin; plus strand). Cytogenetic location: Xq28.
Variant type: single nucleotide variant.
Coding change: c.460A>G on transcript NM_000117.3 (MANE Select); coding-DNA position 460, A replaced by G.
Protein change: p.Met154Val; replaces methionine 154 with valine.
Molecular consequence: missense variant.
Genome position (GRCh38, 1-based): chrX:154,380,892, A>G. VCF-style: chrX-154380892-A-G. GRCh37 (hg19) VCF-style: chrX-153609252-A-G.
Other names: short protein forms M154V.
Identifiers: ClinVar variation 289762 (VCV000289762.10), dbSNP rs782806462, ClinGen allele CA10561621.
Genomic context (GRCh38, chrX:154,380,892, plus strand): 5'-TGGTTCTGGGTCCAGGCTCCTGGCCCACTTGCTCCCCTCTTTTGCCTCAGGGAACGCCCC[A>G]TGTACGGCCGGGACAGTGCCTACCAGAGCATCACGCACTACCGCCCTGTTTCAGCCTCCA-3'
Protein context (NP_000108.1, residues 144-164): EEECKDRERP[Met154Val]YGRDSAYQSI

ClinVar aggregate classification (germline): Conflicting classifications of pathogenicity. Review status: criteria provided, conflicting classifications (1 of 4 stars). 4 submissions from 4 submitters: Uncertain significance (3); Likely benign (1). Last evaluated 2023-11-04.

Conditions:
Cardiovascular phenotype. Identifiers: MedGen CN230736.
X-linked Emery-Dreifuss muscular dystrophy. Also called: Muscular dystrophy, tardive Emery-Dreifuss type, with contractures. Identifiers: Orphanet 261, Orphanet 98863, MedGen C0751337, MONDO:0010680.

Allele frequency attached by ClinVar (database versions not stated): ExAC 0.00001.

Submissions (4):

Labcorp Genetics (formerly Invitae), Labcorp
Classification: Uncertain significance for X-linked Emery-Dreifuss muscular dystrophy. Last evaluated: 2023-11-04. Review status: criteria provided, single submitter. Criteria: Invitae Variant Classification Sherloc (09022015). Collection method: clinical testing. Allele origin: germline.
Comment: This sequence change replaces methionine, which is neutral and non-polar, with valine, which is neutral and non-polar, at codon 154 of the EMD protein (p.Met154Val). This variant is present in population databases (rs782806462, gnomAD 0.004%), including at least one homozygous and/or hemizygous individual. This variant has not been reported in the literature in individuals affected with EMD-related conditions. ClinVar contains an entry for this variant (Variation ID: 289762). Advanced modeling of protein sequence and biophysical properties (such as structural, functional, and spatial information, amino acid conservation, physicochemical variation, residue mobility, and thermodynamic stability) performed at Invitae indicates that this missense variant is not expected to disrupt EMD protein function with a negative predictive value of 80%. In summary, the available evidence is currently insufficient to determine the role of this variant in disease. Therefore, it has been classified as a Variant of Uncertain Significance.

Fulgent Genetics
Classification: Uncertain significance for Emery-Dreifuss muscular dystrophy 1, X-linked. Last evaluated: 2021-07-26. Review status: criteria provided, single submitter. Criteria: ACMG Guidelines, 2015. Collection method: clinical testing. Allele origin: unknown.

Ambry Genetics
Classification: Likely benign for Cardiovascular phenotype. Last evaluated: 2020-09-04. Review status: criteria provided, single submitter. Criteria: Ambry Variant Classification Scheme 2023. Collection method: clinical testing. Allele origin: germline.

Eurofins Ntd Llc (ga)
Classification: Uncertain significance. Last evaluated: 2016-09-19. Review status: criteria provided, single submitter. Criteria: EGL Classification Definitions 2015. Collection method: clinical testing. Allele origin: germline. Observed: 1 variant allele, 1 heterozygote.